The following is an entry in ClinVar:

NM_005477.3(HCN4):c.2330T>G (p.Leu777Arg)

Gene: HCN4 (hyperpolarization activated cyclic nucleotide gated potassium channel 4; minus strand). Cytogenetic location: 15q24.1.
Variant type: single nucleotide variant.
Coding change: c.2330T>G on transcript NM_005477.3 (MANE Select); coding-DNA position 2330, T replaced by G.
Protein change: p.Leu777Arg; replaces leucine 777 with arginine.
Molecular consequence: missense variant.
Genome position (GRCh38, 1-based): chr15:73,323,763, A>C on the plus strand (T>G on the coding strand, the complement: HCN4 is on the minus strand). VCF-style: chr15-73323763-A-C. GRCh37 (hg19) VCF-style: chr15-73616104-A-C.
Other names: c.2330T>G (NM_005477.2); short protein forms L777R.
Identifiers: ClinVar variation 2984890 (VCV002984890.4), dbSNP rs2549069126, ClinGen allele CA393089104.

ClinVar aggregate classification (germline): Uncertain significance. Review status: criteria provided, multiple submitters, no conflicts (2 of 4 stars). 2 submissions from 2 submitters: Uncertain significance (2). Last evaluated 2026-01-29.

Conditions:
Brugada syndrome 8 (BRGDA8). Identifiers: Orphanet 130, MedGen C2751083, MONDO:0013148, OMIM 613123.
Cardiovascular phenotype. Identifiers: MedGen CN230736.

Submissions (2):

Ambry Genetics
Classification: Uncertain significance for Cardiovascular phenotype. Last evaluated: 2026-01-29. Review status: criteria provided, single submitter. Criteria: Ambry Variant Classification Scheme 2023. Collection method: clinical testing. Allele origin: germline.
Comment: The p.L777R variant (also known as c.2330T>G), located in coding exon 8 of the HCN4 gene, results from a T to G substitution at nucleotide position 2330. The leucine at codon 777 is replaced by arginine, an amino acid with dissimilar properties. This variant was reported in individual(s) with features consistent with pediatric dilated cardiomyopathy (Ritter A et al. Genet Med, 2020 Feb;22:423-426; Burstein DS et al. Pediatr Res, 2021 May;89:1470-1476). This amino acid position is highly conserved in available vertebrate species. In addition, the in silico prediction for this alteration is inconclusive. Based on the available evidence, the clinical significance of this variant remains unclear.

Labcorp Genetics (formerly Invitae), Labcorp
Classification: Uncertain significance for Brugada syndrome 8. Last evaluated: 2023-05-09. Review status: criteria provided, single submitter. Criteria: Invitae Variant Classification Sherloc (09022015). Collection method: clinical testing. Allele origin: germline.
Comment: This variant is not present in population databases (gnomAD no frequency). This sequence change replaces leucine, which is neutral and non-polar, with arginine, which is basic and polar, at codon 777 of the HCN4 protein (p.Leu777Arg). This missense change has been observed in individual(s) with dilated cardiomyopathy (PMID: 32746448). In summary, the available evidence is currently insufficient to determine the role of this variant in disease. Therefore, it has been classified as a Variant of Uncertain Significance. Advanced modeling of protein sequence and biophysical properties (such as structural, functional, and spatial information, amino acid conservation, physicochemical variation, residue mobility, and thermodynamic stability) performed at Invitae indicates that this missense variant is not expected to disrupt HCN4 protein function.

Literature cited by the submitters: PubMed 31527676 (cited by Ambry Genetics); PubMed 32746448 (cited by Ambry Genetics and Labcorp Genetics (formerly Invitae), Labcorp).